The following is an entry in ClinVar:

NM_001034850.3(RETREG1):c.1311_1312dup (p.Gln438fs)

Gene: RETREG1 (reticulophagy regulator 1; minus strand). Cytogenetic location: 5p15.1.
Variant type: Microsatellite.
Coding change: c.1311_1312dup on transcript NM_001034850.3 (MANE Select); coding-DNA positions 1311 to 1312, 2 bases duplicated (TC; older notation c.1311_1312dupTC).
Protein change: p.Gln438fs; shifts the reading frame from glutamine 438.
Molecular consequence: frameshift variant.
Genome position (GRCh38, 1-based): chr5:16,474,923-16,474,924, GA duplicated on the plus strand (TC on the coding strand, the reverse complement: RETREG1 is on the minus strand); duplicating any 2 consecutive bases within chr5:16,474,923-16,474,926 gives the same sequence; the c. name uses the placement nearest the transcript's 3' end. VCF-style (leftmost placement, unchanged base first): chr5-16474922-T-TGA. GRCh37 (hg19) VCF-style: chr5-16475031-T-TGA.
Other names: c.888_889dup, p.Gln297fs (NM_019000.5); short protein forms Q297fs, Q438fs.
Identifiers: ClinVar variation 1498594 (VCV001498594.6), dbSNP rs2126505273, ClinGen allele CA2580613534.
Genomic context (GRCh38, chr5:16,474,922, plus strand): 5'-AGTAGTTCAAAGTCATCACCTTCTTCAGTGTCTGTGTCCTCTTCTGGGATGGGGGCAGCC[T>TGA]GAGAAAGTGCTTGCTGCACACCCTCTAACTGGTCTTTGATAGCTGCAGTCACTGCAGCTG-3'

ClinVar aggregate classification (germline): Uncertain significance (1 of 4 stars; one submission).

Submission:

Labcorp Genetics (formerly Invitae), Labcorp
Classification: Uncertain significance. Last evaluated: 2022-08-15. Review status: criteria provided, single submitter. Criteria: Invitae Variant Classification Sherloc (09022015). Collection method: clinical testing. Allele origin: germline.
Comment: This sequence change results in a frameshift in the RETREG1 gene (p.Gln438Leufs*96). While this is not anticipated to result in nonsense mediated decay, it is expected to disrupt the last 60 amino acid(s) of the RETREG1 protein and extend the protein by 35 additional amino acid residues. In summary, the available evidence is currently insufficient to determine the role of this variant in disease. Therefore, it has been classified as a Variant of Uncertain Significance. This variant results in an extension of the RETREG1 protein. Other variant(s) that result in a similarly extended protein product (p.Gln476Argfs*57) have been observed in individuals with RETREG1-related disease (PMID: 31596031). This suggests that these extensions may be clinically significant. This variant has not been reported in the literature in individuals affected with RETREG1-related conditions. This variant is not present in population databases (gnomAD no frequency).

Literature cited by the submitters: PubMed 31596031.